The following is an entry in ClinVar:

NM_152594.3(SPRED1):c.499C>G (p.Pro167Ala)

Gene: SPRED1 (sprouty related EVH1 domain containing 1; plus strand). Cytogenetic location: 15q14.
Variant type: single nucleotide variant.
Coding change: c.499C>G on transcript NM_152594.3 (MANE Select); coding-DNA position 499, C replaced by G.
Protein change: p.Pro167Ala; replaces proline 167 with alanine.
Molecular consequence: missense variant.
Genome position (GRCh38, 1-based): chr15:38,339,812, C>G. VCF-style: chr15-38339812-C-G. GRCh37 (hg19) VCF-style: chr15-38632013-C-G.
Other names: short protein forms P167A.
Identifiers: ClinVar variation 3961409 (VCV003961409.1).

ClinVar aggregate classification (germline): Uncertain significance (1 of 4 stars; one submission).

Conditions:
Cardiovascular phenotype. Identifiers: MedGen CN230736.

gnomAD v4.1: 1 of 1,613,876 alleles (0.000062%); highest among the groups gnomAD compares: Non-Finnish European, 0.000085%; no homozygotes.

Submission:

Ambry Genetics
Classification: Uncertain significance for Cardiovascular phenotype. Last evaluated: 2025-06-02. Review status: criteria provided, single submitter. Criteria: Ambry Variant Classification Scheme 2023. Collection method: clinical testing. Allele origin: germline.
Comment: The p.P167A variant (also known as c.499C>G), located in coding exon 5 of the SPRED1 gene, results from a C to G substitution at nucleotide position 499. The proline at codon 167 is replaced by alanine, an amino acid with highly similar properties. This amino acid position is conserved. In addition, this alteration is predicted to be tolerated by in silico analysis. Based on the available evidence, the clinical significance of this variant remains unclear.